The following is an entry in ClinVar:

NM_000297.4(PKD2):c.443dup (p.His149fs)

Genes: PKD2 (polycystin 2, transient receptor potential cation channel; plus strand), LOC129992813 (ATAC-STARR-seq lymphoblastoid silent region 15559; plus strand). Cytogenetic location: 4q22.1.
Variant type: Duplication.
Coding change: c.443dup on transcript NM_000297.4 (MANE Select); coding-DNA position 443, one base duplicated (G; older notation c.443dupG).
Protein change: p.His149fs; shifts the reading frame from histidine 149.
Molecular consequence: frameshift variant. On other transcripts: non-coding transcript variant (1).
Genome position (GRCh38, 1-based): chr4:88,008,176, G duplicated; the last of 3 consecutive G bases (chr4:88,008,174-88,008,176); duplicating any one gives the same sequence. VCF-style (leftmost placement, unchanged base first): chr4-88008173-C-CG. GRCh37 (hg19) VCF-style: chr4-88929325-C-CG.
Other names: short protein forms H149fs.
Identifiers: ClinVar variation 2748232 (VCV002748232.3), dbSNP rs1560592253, ClinGen allele CA2697546799.
Genomic context (GRCh38, chr4:88,008,173, plus strand): 5'-CCTCCTCGGCCGTGAGCTCCGTGGGCGCGCGGAGCCGGGGGCTTGGGGGCTACCACGGCG[C>CG]GGGCCACCCGAGCGGGAGGCGGCGCCGGCGAGAGGACCAGGGCCCGCCGTGCCCCAGCCC-3'

ClinVar aggregate classification (germline): Pathogenic (1 of 4 stars; one submission).

Conditions:
Autosomal dominant polycystic kidney disease. Identifiers: Orphanet 730, MedGen C0085413, MONDO:0004691.

Submission:

Labcorp Genetics (formerly Invitae), Labcorp
Classification: Pathogenic for Autosomal dominant polycystic kidney disease. Last evaluated: 2023-10-24. Review status: criteria provided, single submitter. Criteria: Invitae Variant Classification Sherloc (09022015). Collection method: clinical testing. Allele origin: germline.
Comment: This sequence change creates a premature translational stop signal (p.His149Profs*64) in the PKD2 gene. It is expected to result in an absent or disrupted protein product. Loss-of-function variants in PKD2 are known to be pathogenic (PMID: 17582161, 22863349). This variant is not present in population databases (gnomAD no frequency). This variant has not been reported in the literature in individuals affected with PKD2-related conditions. For these reasons, this variant has been classified as Pathogenic.

Literature cited by the submitters: PubMed 17582161; PubMed 22863349.